The following is an entry in ClinVar:

ClinVar aggregate classification (germline): Uncertain significance. Review status: criteria provided, single submitter (1 of 4 stars). 2 submissions from 2 submitters: Uncertain significance (1). 1 of the submissions does not count toward it. Last evaluated 2022-08-02.

Conditions:
Mitochondrial neurogastrointestinal encephalomyopathy. Also called: Mitochondrial neurogastrointestinal encephalopathy syndrome; MNGIE syndrome; Thymidine phosphorylase deficiency. Identifiers: Orphanet 298, MedGen C0872218, MONDO:0017575.

Allele frequency attached by ClinVar (database versions not stated): gnomAD exomes below 0.00001.
gnomAD v4.1: 4 of 1,488,386 alleles (0.00027%); highest among the groups gnomAD compares: East Asian, 0.0028%; no homozygotes.

Submissions (2):

Labcorp Genetics (formerly Invitae), Labcorp
Classification: Uncertain significance. Last evaluated: 2022-08-02. Review status: criteria provided, single submitter. Criteria: Invitae Variant Classification Sherloc (09022015). Collection method: clinical testing. Allele origin: germline.
Comment: This sequence change replaces alanine, which is neutral and non-polar, with valine, which is neutral and non-polar, at codon 394 of the TYMP protein (p.Ala394Val). The frequency data for this variant in the population databases is considered unreliable, as metrics indicate poor data quality at this position in the gnomAD database. This variant has not been reported in the literature in individuals affected with TYMP-related conditions. Advanced modeling of protein sequence and biophysical properties (such as structural, functional, and spatial information, amino acid conservation, physicochemical variation, residue mobility, and thermodynamic stability) performed at Invitae indicates that this missense variant is expected to disrupt TYMP protein function. Algorithms developed to predict the effect of sequence changes on RNA splicing suggest that this variant may create or strengthen a splice site. In summary, the available evidence is currently insufficient to determine the role of this variant in disease. Therefore, it has been classified as a Variant of Uncertain Significance.

Natera, Inc.
Classification: Uncertain significance for Mitochondrial neurogastrointestinal encephalomyopathy. Last evaluated: 2025-01-18. Review status: no assertion criteria provided. Collection method: clinical testing. Allele origin: germline. Not counted in ClinVar's aggregate classification.

NM_001953.5(TYMP):c.1181C>T (p.Ala394Val)

Genes: SCO2 (synthesis of cytochrome C oxidase 2; minus strand), TYMP (thymidine phosphorylase; minus strand), LOC130067862 (ATAC-STARR-seq lymphoblastoid silent region 13986; plus strand). Cytogenetic location: 22q13.33.
Variant type: single nucleotide variant.
Coding change: c.1181C>T on transcript NM_001953.5 (MANE Select); coding-DNA position 1181, C replaced by T.
Protein change: p.Ala394Val; replaces alanine 394 with valine.
Molecular consequence: missense variant. On other transcripts: 5 prime UTR variant (1), intron variant (1).
Genome position (GRCh38, 1-based): chr22:50,526,120, G>A on the plus strand (C>T on the coding strand, the complement: TYMP is on the minus strand). VCF-style: chr22-50526120-G-A. GRCh37 (hg19) VCF-style: chr22-50964549-G-A.
Other names: c.1181C>T, p.Ala394Val (NM_001113755.3, NM_001113756.3, NM_001257988.1); c.1196C>T, p.Ala399Val (NM_001257989.1); c.-133C>T (NM_001169110.1); c.-14+126C>T (NM_001169109.2); short protein forms A394V, A399V.
Identifiers: ClinVar variation 1963295 (VCV001963295.2), dbSNP rs1414925289, ClinGen allele CA412197069.